The following is an entry in ClinVar:

NM_014049.5(ACAD9):c.1717G>A (p.Val573Met)

Genes: ACAD9 (acyl-CoA dehydrogenase family member 9; plus strand), CFAP92 (cilia and flagella associated protein 92 (putative); minus strand). Cytogenetic location: 3q21.3.
Variant type: single nucleotide variant.
Coding change: c.1717G>A on transcript NM_014049.5 (MANE Select); coding-DNA position 1717, G replaced by A.
Protein change: p.Val573Met; replaces valine 573 with methionine.
Molecular consequence: missense variant. On other transcripts: non-coding transcript variant (1), intron variant (3).
Genome position (GRCh38, 1-based): chr3:128,910,765, G>A. VCF-style: chr3-128910765-G-A. GRCh37 (hg19) VCF-style: chr3-128629608-G-A.
Other names: c.1348G>A, p.Val450Met (NM_001410805.1); c.2312-432C>T (NM_001348521.2); c.2408-432C>T (NM_001348520.2); c.3281-432C>T (NM_001394090.1); c.1717G>A (NM_014049.4); short protein forms V573M, V450M.
Identifiers: ClinVar variation 1146848 (VCV001146848.14), dbSNP rs138264216, ClinGen allele CA2601688.
Genomic context (GRCh38, chr3:128,910,765, plus strand): 5'-ATTTGGGCATATCTTTTCTGTCCTCGGTTCTGGCAGGTTCTCTTGGCCAACACCTTCTGC[G>A]TGGAAGCTTACTTGCAGAATCTCTTCAGCCTCTCTCAGCTGGACAAGTGTGAGTGGCATG-3'
Protein context (NP_054768.2, residues 563-583): HEVLLANTFC[Val573Met]EAYLQNLFSL

ClinVar aggregate classification (germline): Conflicting classifications of pathogenicity. Review status: criteria provided, conflicting classifications (1 of 4 stars). 5 submissions from 5 submitters: Uncertain significance (3); Likely benign (1). 1 of the submissions does not count toward it. Last evaluated 2025-12-25.

Conditions:
Inborn genetic diseases. Identifiers: MedGen C0950123, MeSH D030342.
Acyl-CoA dehydrogenase 9 deficiency. Also called: Acyl-CoA dehydrogenase family, member 9, deficiency of; MITOCHONDRIAL COMPLEX I DEFICIENCY, NUCLEAR TYPE 20. Identifiers: Orphanet 99901, MedGen C4747517, MONDO:0012624, OMIM 611126.

Allele frequency attached by ClinVar (database versions not stated): gnomAD 0.00005 and 0.00007; TOPMed 0.00006; ESP Exome Variant Server 0.00015; 1000 Genomes Project 30x 0.00016; gnomAD exomes 0.00016; 1000 Genomes Project 0.00020; ExAC 0.00021.
gnomAD v4.1: 84 of 1,614,190 alleles (0.0052%); highest among the groups gnomAD compares: Admixed American, 0.033%; no homozygotes.

Submissions (5):

Labcorp Genetics (formerly Invitae), Labcorp
Classification: Likely benign. Last evaluated: 2025-12-25. Review status: criteria provided, single submitter. Criteria: Invitae Variant Classification Sherloc (09022015). Collection method: clinical testing. Allele origin: germline.

GeneDx
Classification: Uncertain significance. Last evaluated: 2024-11-07. Review status: criteria provided, single submitter. Criteria: GeneDx Variant Classification Process June 2021. Collection method: clinical testing. Allele origin: germline. Affected: yes.
Comment: In silico analysis indicates that this missense variant does not alter protein structure/function; Has not been previously published as pathogenic or benign to our knowledge

Blueprint Genetics
Classification: Uncertain significance. Last evaluated: 2024-05-14. Review status: criteria provided, single submitter. Criteria: ACMG Guidelines, 2015. Collection method: clinical testing. Allele origin: germline.

Ambry Genetics
Classification: Uncertain significance for Inborn genetic diseases. Last evaluated: 2021-08-09. Review status: criteria provided, single submitter. Criteria: Ambry Variant Classification Scheme 2023. Collection method: clinical testing. Allele origin: germline.

Natera, Inc.
Classification: Likely benign for ACAD9 deficiency. Last evaluated: 2020-03-02. Review status: no assertion criteria provided. Collection method: clinical testing. Allele origin: germline. Not counted in ClinVar's aggregate classification.